The following is an entry in ClinVar:

ClinVar aggregate classification (germline): Uncertain significance (1 of 4 stars; one submission).

Submission:

Labcorp Genetics (formerly Invitae), Labcorp
Classification: Uncertain significance. Last evaluated: 2023-12-12. Review status: criteria provided, single submitter. Criteria: Invitae Variant Classification Sherloc (09022015). Collection method: clinical testing. Allele origin: unknown.
Comment: This variant results in a copy number gain of the genomic region encompassing exon(s) 7-13 of the LONP1 gene. While the exact position of this variant cannot be determined from the data, sub-genic copy number gains are generally in tandem (PMID: 25640679). This variant is predicted to be in-frame, and likely preserves the integrity of the reading frame. This variant has not been reported in the literature in individuals affected with LONP1-related conditions. In summary, the available evidence is currently insufficient to determine the role of this variant in disease. Therefore, it has been classified as a Variant of Uncertain Significance.

Literature cited by the submitters: PubMed 25640679.

NC_000019.9:g.(?_5696045)_(5707174_?)dup

Gene: LONP1 (lon peptidase 1, mitochondrial; minus strand). Cytogenetic location: 19p13.3.
Variant type: Duplication.
Identifiers: ClinVar variation 3242683 (VCV003242683.1).